The following is an entry in ClinVar:

NM_000492.4(CFTR):c.1490T>G (p.Ile497Ser)

Genes: CFTR-AS1 (CFTR antisense RNA 1; minus strand), CFTR (CF transmembrane conductance regulator; plus strand). Cytogenetic location: 7q31.2.
Variant type: single nucleotide variant.
Coding change: c.1490T>G on transcript NM_000492.4 (MANE Select); coding-DNA position 1490, T replaced by G.
Protein change: p.Ile497Ser; replaces isoleucine 497 with serine.
Molecular consequence: missense variant.
Genome position (GRCh38, 1-based): chr7:117,559,561, T>G. VCF-style: chr7-117559561-T-G. GRCh37 (hg19) VCF-style: chr7-117199615-T-G.
Other names: short protein forms I497S.
Identifiers: ClinVar variation 977086 (VCV000977086.1), dbSNP rs1799421098, ClinGen allele CA368984588.

ClinVar aggregate classification (germline): Uncertain significance (1 of 4 stars; one submission).

Conditions:
Cystic fibrosis (CF). Also called: MUCOVISCIDOSIS. Identifiers: Orphanet 586, MedGen C0010674, MONDO:0009061, OMIM 219700. Disease mechanism: loss of function.

Submission:

Johns Hopkins Genomics, Johns Hopkins University
Classification: Uncertain significance for Cystic fibrosis. Last evaluated: 2020-05-29. Review status: criteria provided, single submitter. Criteria: ACMG Guidelines, 2015. Collection method: clinical testing. Allele origin: germline.
Comment: This CFTR variant is absent from a large population dataset and has not been reported in ClinVar nor the literature, to our knowledge. Three bioinformatic tools queried predict that this substitution would be damaging, and the isoleucine residue at this position is highly evolutionarily conserved across most species assessed. We consider the clinical significance of c.1490T>G to be uncertain at this time.